The following is an entry in ClinVar:

NM_024675.4(PALB2):c.2894A>G (p.Asn965Ser)

Gene: PALB2 (partner and localizer of BRCA2; minus strand). Cytogenetic location: 16p12.2.
Variant type: single nucleotide variant.
Coding change: c.2894A>G on transcript NM_024675.4 (MANE Select); coding-DNA position 2894, A replaced by G.
Protein change: p.Asn965Ser; replaces asparagine 965 with serine.
Molecular consequence: missense variant. On other transcripts: intron variant (1).
Genome position (GRCh38, 1-based): chr16:23,623,071, T>C on the plus strand (A>G on the coding strand, the complement: PALB2 is on the minus strand). VCF-style: chr16-23623071-T-C. GRCh37 (hg19) VCF-style: chr16-23634392-T-C.
Other names: c.2834A>G, p.Asn945Ser (NM_001407296.1); c.2822A>G, p.Asn941Ser (NM_001407297.1); c.2732A>G, p.Asn911Ser (NM_001407298.1, NM_001407302.1); c.2894A>G, p.Asn965Ser (NM_001407299.1, NM_001407301.1); c.2009A>G, p.Asn670Ser (NM_001407304.1, NM_001407305.1, NM_001407306.1 and 4 more transcripts); c.1847A>G, p.Asn616Ser (NM_001407307.1); c.1106A>G, p.Asn369Ser (NM_001407312.1, NM_001407313.1); c.428A>G, p.Asn143Ser (NM_001407314.1); and 1 more; short protein forms N143S, N369S, N616S, N670S, N941S, N945S, N965S, N911S.
Identifiers: ClinVar variation 4664156 (VCV004664156.1).
Genomic context (GRCh38, chr16:23,623,071, plus strand): 5'-GAAAGGGTCCCACTGCTACTAACTAGCCTCCTCTTTGTCAGGCCAAGCACAGCTTTTATA[T>C]TTCCAGACTTCAGTAGTACTTGCTTTTCACTTTCATCATCAGAGGAACAAAACAATGCCC-3'
Protein context (NP_078951.2, residues 955-975): SEKQVLLKSG[Asn965Ser]IKAVLGLTKR

ClinVar aggregate classification (germline): Uncertain significance (1 of 4 stars; one submission).

Conditions:
Hereditary cancer-predisposing syndrome. Also called: Neoplastic Syndromes, Hereditary; Tumor predisposition; Hereditary Cancer Syndrome; Hereditary neoplastic syndrome. Identifiers: Orphanet 140162, MedGen C0027672, MeSH D009386, MONDO:0015356.

Submission:

Ambry Genetics
Classification: Uncertain significance for Hereditary cancer-predisposing syndrome. Last evaluated: 2025-11-26. Review status: criteria provided, single submitter. Criteria: Ambry Variant Classification Scheme 2023. Collection method: clinical testing. Allele origin: germline.
Comment: The p.N965S variant (also known as c.2894A>G), located in coding exon 9 of the PALB2 gene, results from an A to G substitution at nucleotide position 2894. The asparagine at codon 965 is replaced by serine, an amino acid with highly similar properties. This amino acid position is conserved. In addition, this alteration is predicted to be tolerated by in silico analysis. Based on the available evidence, the clinical significance of this variant remains unclear.